The following is an entry in ClinVar:

ClinVar aggregate classification (germline): Likely benign. Review status: reviewed by expert panel (3 of 4 stars). 4 submissions from 4 submitters: Likely benign (1). 3 of the submissions do not count toward it. Last evaluated 2026-07-20.

Conditions:
CEP290-related disorder. Also called: CEP290-related disorders; CEP290-related condition. Identifiers: MedGen CN239314.
Nephronophthisis. Also called: Juvenile Nephronophthisis. Identifiers: Orphanet 655, MedGen C0687120, MONDO:0019005, HP:0000090.
Meckel-Gruber syndrome. Also called: DYSENCEPHALIA SPLANCHNOCYSTICA; Dysencephalia splachnocystica; GRUBER SYNDROME. Identifiers: Orphanet 564, MedGen C0265215, MONDO:0018921.
Joubert syndrome. Also called: Familial aplasia of the vermis; JOUBERT-BOLTSHAUSER SYNDROME. Identifiers: Orphanet 475, MedGen C5979921, MONDO:0018772.
CEP290-related ciliopathy. Also called: CEP290 ciliopathy. Identifiers: MedGen CN305601, MONDO:0100451.

gnomAD v4.1: 6 of 1,592,018 alleles (0.00038%); highest among the groups gnomAD compares: Non-Finnish European, 0.00051%; no homozygotes.

Submissions (4):

ClinGen Leber Congenital Amaurosis/early Onset Retinal Dystrophy Variant Curation Expert Panel, ClinGen
Classification: Likely benign for CEP290-related ciliopathy. Last evaluated: 2026-07-20. Review status: reviewed by expert panel. Criteria: ClinGen LCAeoRD ACMG Specifications CEP290 V1.0.0. Collection method: curation. Allele origin: germline. Inheritance: Autosomal recessive inheritance.
Comment: NM_025114.4(CEP290):c.2067G>A (p.Lys689=) is a synonymous variant in exon 21 that does not have predicted impact on CEP290 splicing (BP7). The splicing impact predictor SpliceAI gives a delta score of 0.03 for acceptor gain, which is below the ClinGen LCA / eoRD VCEP recommended threshold of <0.1 and does not predict an impact on splicing (BP4). This variant is present in gnomAD v4.1.1 at a total allele frequency of 0.00000185 with 6 alleles / 1,592,018 total alleles, which is lower than the ClinGen LCA/eoRD VCEP PM2_Supporting threshold of <0.0006 (PM2_Supporting). In summary, this variant meets the criteria to be classified as Likely Benign for CEP290-related ciliopathy based on the ACMG/AMP criteria applied, as specified by the ClinGen LCA/eoRD VCEP: BP7, BP4, and PM2_Supporting. (LCA/eoRD VCEP Specifications for CEP290 Version 1.0.0)

Labcorp Genetics (formerly Invitae), Labcorp
Classification: Likely benign for Joubert syndrome; Meckel-Gruber syndrome; Nephronophthisis. Last evaluated: 2023-06-14. Review status: criteria provided, single submitter. Criteria: Invitae Variant Classification Sherloc (09022015). Collection method: clinical testing. Allele origin: germline. Not counted in ClinVar's aggregate classification.

Eurofins Ntd Llc (ga)
Classification: Uncertain significance. Last evaluated: 2018-01-02. Review status: criteria provided, single submitter. Criteria: EGL Classification Definitions 2015. Collection method: clinical testing. Allele origin: germline. Observed: 1 variant allele, 1 heterozygote. Not counted in ClinVar's aggregate classification.

PreventionGenetics, part of Exact Sciences
Classification: Likely benign for CEP290-related condition. Last evaluated: 2021-03-04. Review status: no assertion criteria provided. Collection method: clinical testing. Allele origin: germline. Not counted in ClinVar's aggregate classification.
Comment: This variant is classified as likely benign based on ACMG/AMP sequence variant interpretation guidelines (Richards et al. 2015 PMID: 25741868, with internal and published modifications).

NM_025114.4(CEP290):c.2067G>A (p.Lys689=)

Gene: CEP290 (centrosomal protein 290; minus strand). Cytogenetic location: 12q21.32.
Variant type: single nucleotide variant.
Coding change: c.2067G>A on transcript NM_025114.4 (MANE Select); coding-DNA position 2067, G replaced by A.
Protein change: p.Lys689=; no amino-acid change (lysine 689 retained).
Molecular consequence: synonymous variant.
Genome position (GRCh38, 1-based): chr12:88,111,844, C>T on the plus strand (G>A on the coding strand, the complement: CEP290 is on the minus strand). VCF-style: chr12-88111844-C-T. GRCh37 (hg19) VCF-style: chr12-88505621-C-T.
Other names: NM_025114.4(CEP290):c.2067G>A; p.Lys689=; c.2067G>A (NM_025114.3).
Identifiers: ClinVar variation 595539 (VCV000595539.17), dbSNP rs1425613490, ClinGen allele CA481050498.